The following is an entry in ClinVar:

NM_001035.3(RYR2):c.1139A>T (p.Lys380Ile)

Gene: RYR2 (ryanodine receptor 2; plus strand). Cytogenetic location: 1q43.
Variant type: single nucleotide variant.
Coding change: c.1139A>T on transcript NM_001035.3 (MANE Select); coding-DNA position 1139, A replaced by T.
Protein change: p.Lys380Ile; replaces lysine 380 with isoleucine.
Molecular consequence: missense variant.
Genome position (GRCh38, 1-based): chr1:237,441,452, A>T. VCF-style: chr1-237441452-A-T. GRCh37 (hg19) VCF-style: chr1-237604752-A-T.
Other names: short protein forms K380I.
Identifiers: ClinVar variation 3707604 (VCV003707604.2).
Genomic context (GRCh38, chr1:237,441,452, plus strand): 5'-TATGCTATATACAACATGTAGACACAGGCCTATGGCTTACTTACCAGTCTGTGGACGTGA[A>T]ATCCGTGAGAATGGGATCTATACAACGTAAGGTAAGGTGATAGAAAAAAACATAATTTAT-3'
Protein context (NP_001026.2, residues 370-390): LWLTYQSVDV[Lys380Ile]SVRMGSIQRK

ClinVar aggregate classification (germline): Uncertain significance (1 of 4 stars; one submission).

Conditions:
Catecholaminergic polymorphic ventricular tachycardia 1. Also called: VENTRICULAR TACHYCARDIA, STRESS-INDUCED POLYMORPHIC 1; VENTRICULAR TACHYCARDIA, CATECHOLAMINERGIC POLYMORPHIC, 1, WITH OR WITHOUT ATRIAL DYSFUNCTION AND/OR DILATED CARDIOMYOPATHY; RYR2-Related Catecholaminergic Polymorphic Ventricular Tachycardia. Identifiers: Orphanet 3286, MedGen C1631597, MONDO:0011484, OMIM 604772.

Submission:

Labcorp Genetics (formerly Invitae), Labcorp
Classification: Uncertain significance for Catecholaminergic polymorphic ventricular tachycardia 1. Last evaluated: 2024-03-24. Review status: criteria provided, single submitter. Criteria: Invitae Variant Classification Sherloc (09022015). Collection method: clinical testing. Allele origin: germline.
Comment: This sequence change replaces lysine, which is basic and polar, with isoleucine, which is neutral and non-polar, at codon 380 of the RYR2 protein (p.Lys380Ile). This variant is not present in population databases (gnomAD no frequency). This variant has not been reported in the literature in individuals affected with RYR2-related conditions. Advanced modeling of protein sequence and biophysical properties (such as structural, functional, and spatial information, amino acid conservation, physicochemical variation, residue mobility, and thermodynamic stability) performed at Invitae indicates that this missense variant is expected to disrupt RYR2 protein function with a positive predictive value of 95%. In summary, the available evidence is currently insufficient to determine the role of this variant in disease. Therefore, it has been classified as a Variant of Uncertain Significance.